The following is an entry in ClinVar:

NM_001322934.2(NFKB2):c.502+6G>A

Gene: NFKB2 (nuclear factor kappa B subunit 2; plus strand). Cytogenetic location: 10q24.32.
Variant type: single nucleotide variant.
Coding change: c.502+6G>A on transcript NM_001322934.2 (MANE Select); 6 bases into the intron after coding-DNA position 502, G replaced by A.
Molecular consequence: intron variant.
Genome position (GRCh38, 1-based): chr10:102,397,414, G>A. VCF-style: chr10-102397414-G-A. GRCh37 (hg19) VCF-style: chr10-104157171-G-A.
Other names: c.502+6G>A (NM_001288724.1, NM_001322935.1, NM_001077494.3 and 2 more transcripts).
Identifiers: ClinVar variation 1415237 (VCV001415237.6), dbSNP rs767603642, ClinGen allele CA5664550.

ClinVar aggregate classification (germline): Uncertain significance (1 of 4 stars; one submission).

Conditions:
Immunodeficiency, common variable, 10. Also called: DEFICIT IN ANTERIOR PITUITARY FUNCTION AND VARIABLE IMMUNODEFICIENCY; IMMUNODEFICIENCY, COMMON VARIABLE, WITH CENTRAL ADRENAL INSUFFICIENCY. Identifiers: MedGen C3809991, MONDO:0014260, OMIM 615577.

Allele frequency attached by ClinVar (database versions not stated): ExAC 0.00001; gnomAD 0.00002; gnomAD exomes 0.00002.
gnomAD v4.1: 10 of 1,610,100 alleles (0.00062%); highest among the groups gnomAD compares: Admixed American, 0.0084%; no homozygotes.

Submission:

Labcorp Genetics (formerly Invitae), Labcorp
Classification: Uncertain significance for Immunodeficiency, common variable, 10. Last evaluated: 2025-12-23. Review status: criteria provided, single submitter. Criteria: Invitae Variant Classification Sherloc (09022015). Collection method: clinical testing. Allele origin: germline.
Comment: This sequence change falls in intron 7 of the NFKB2 gene. It does not directly change the encoded amino acid sequence of the NFKB2 protein. It affects a nucleotide within the consensus splice site. This variant is present in population databases (rs767603642, gnomAD 0.01%). This variant has not been reported in the literature in individuals affected with NFKB2-related conditions. ClinVar contains an entry for this variant (Variation ID: 1415237). Variants that disrupt the consensus splice site are a relatively common cause of aberrant splicing (PMID: 17576681, 9536098). Algorithms developed to predict the effect of sequence changes on RNA splicing suggest that this variant is not likely to affect RNA splicing. In summary, the available evidence is currently insufficient to determine the role of this variant in disease. Therefore, it has been classified as a Variant of Uncertain Significance.

Literature cited by the submitters: PubMed 17576681; PubMed 9536098.